The following is an entry in ClinVar:

ClinVar aggregate classification (germline): Uncertain significance (1 of 4 stars; one submission).

Conditions:
Distal hereditary motor neuropathy type 2. Identifiers: Orphanet 139525, MedGen C3711384, MeSH C580044, MONDO:0015352.

Submission:

Labcorp Genetics (formerly Invitae), Labcorp
Classification: Uncertain significance for Distal hereditary motor neuropathy type 2. Last evaluated: 2024-04-17. Review status: criteria provided, single submitter. Criteria: Invitae Variant Classification Sherloc (09022015). Collection method: clinical testing. Allele origin: germline.
Comment: This sequence change replaces alanine, which is neutral and non-polar, with threonine, which is neutral and polar, at codon 259 of the FBXO38 protein (p.Ala259Thr). This variant is not present in population databases (gnomAD no frequency). This variant has not been reported in the literature in individuals affected with FBXO38-related conditions. Advanced modeling of protein sequence and biophysical properties (such as structural, functional, and spatial information, amino acid conservation, physicochemical variation, residue mobility, and thermodynamic stability) performed at Invitae indicates that this missense variant is not expected to disrupt FBXO38 protein function with a negative predictive value of 80%. In summary, the available evidence is currently insufficient to determine the role of this variant in disease. Therefore, it has been classified as a Variant of Uncertain Significance.

NM_205836.3(FBXO38):c.775G>A (p.Ala259Thr)

Gene: FBXO38 (F-box protein 38; plus strand). Cytogenetic location: 5q32.
Variant type: single nucleotide variant.
Coding change: c.775G>A on transcript NM_205836.3 (MANE Select); coding-DNA position 775, G replaced by A.
Protein change: p.Ala259Thr; replaces alanine 259 with threonine.
Molecular consequence: missense variant.
Genome position (GRCh38, 1-based): chr5:148,406,301, G>A. VCF-style: chr5-148406301-G-A. GRCh37 (hg19) VCF-style: chr5-147785864-G-A.
Other names: c.775G>A, p.Ala259Thr (NM_001271723.2, NM_030793.5); short protein forms A259T.
Identifiers: ClinVar variation 3692280 (VCV003692280.2).